The following is an entry in ClinVar:

ClinVar aggregate classification (germline): Uncertain significance. Review status: criteria provided, multiple submitters, no conflicts (2 of 4 stars). 2 submissions from 2 submitters: Uncertain significance (2). Last evaluated 2022-10-28.

Conditions:
Hereditary breast ovarian cancer syndrome. Also called: Hereditary breast and ovarian cancer syndrome; Hereditary breast and ovarian cancer; Hereditary breast and ovarian cancer syndrome (HBOC); Hereditary breast and/or ovarian cancer syndrome; Breast and ovarian cancer; BRCA1- and BRCA2-Associated Hereditary Breast and Ovarian Cancer. Identifiers: Orphanet 145, MedGen C0677776, MeSH D061325, MONDO:0003582. Disease mechanism: loss of function.

Submissions (2):

GeneDx
Classification: Uncertain significance. Last evaluated: 2022-10-28. Review status: criteria provided, single submitter. Criteria: GeneDx Variant Classification Process June 2021. Collection method: clinical testing. Allele origin: germline. Affected: yes.
Comment: Not observed at significant frequency in large population cohorts (gnomAD); In silico analysis supports that this missense variant has a deleterious effect on protein structure/function; Has not been previously published as pathogenic or benign to our knowledge; Also known as 4971C>A

Labcorp Genetics (formerly Invitae), Labcorp
Classification: Uncertain significance for Hereditary breast ovarian cancer syndrome. Last evaluated: 2022-04-29. Review status: criteria provided, single submitter. Criteria: Invitae Variant Classification Sherloc (09022015). Collection method: clinical testing. Allele origin: germline.
Comment: In summary, the available evidence is currently insufficient to determine the role of this variant in disease. Therefore, it has been classified as a Variant of Uncertain Significance. Advanced modeling of protein sequence and biophysical properties (such as structural, functional, and spatial information, amino acid conservation, physicochemical variation, residue mobility, and thermodynamic stability) performed at Invitae indicates that this missense variant is not expected to disrupt BRCA1 protein function. ClinVar contains an entry for this variant (Variation ID: 245717). This variant has not been reported in the literature in individuals affected with BRCA1-related conditions. This variant is not present in population databases (gnomAD no frequency). This sequence change replaces histidine, which is basic and polar, with asparagine, which is neutral and polar, at codon 1618 of the BRCA1 protein (p.His1618Asn).

NM_007294.4(BRCA1):c.4852C>A (p.His1618Asn)

Gene: BRCA1 (BRCA1 DNA repair associated; minus strand). Cytogenetic location: 17q21.31.
Variant type: single nucleotide variant.
Coding change: c.4852C>A on transcript NM_007294.4 (MANE Select); coding-DNA position 4852, C replaced by A.
Protein change: p.His1618Asn; replaces histidine 1618 with asparagine.
Molecular consequence: missense variant. On other transcripts: non-coding transcript variant (1).
Genome position (GRCh38, 1-based): chr17:43,071,062, G>T on the plus strand (C>A on the coding strand, the complement: BRCA1 is on the minus strand). VCF-style: chr17-43071062-G-T. GRCh37 (hg19) VCF-style: chr17-41223079-G-T.
Other names: c.4723C>A, p.His1575Asn (NM_001407688.1, NM_001407689.1, NM_001407941.1 and 6 more transcripts); c.4720C>A, p.His1574Asn (NM_001407690.1, NM_001407691.1); c.4711C>A, p.His1571Asn (NM_001407692.1, NM_001407694.1, NM_001407695.1 and 13 more transcripts); c.4708C>A, p.His1570Asn (NM_001407732.1, NM_001407733.1, NM_001407734.1 and 21 more transcripts); c.4705C>A, p.His1569Asn (NM_001407838.1, NM_001407839.1, NM_001407841.1 and 12 more transcripts); c.4852C>A, p.His1618Asn (NM_001407854.1, NM_001407593.1, NM_001407594.1 and 8 more transcripts); c.4849C>A, p.His1617Asn (NM_001407858.1, NM_001407859.1, NM_001407860.1 and 17 more transcripts); c.4846C>A, p.His1616Asn (NM_001407861.1, NM_001407627.1, NM_001407628.1 and 14 more transcripts); and 70 more; short protein forms H1618N, H1639N, H514N, H1571N, H1322N, H1449N, H1491N, H1548N.
Identifiers: ClinVar variation 245717 (VCV000245717.9), dbSNP rs755920262, ClinGen allele CA10584552.